The following is an entry in ClinVar:

ClinVar aggregate classification (germline): Likely pathogenic. Review status: criteria provided, single submitter (1 of 4 stars). 2 submissions from 2 submitters: Likely pathogenic (1). 1 of the submissions does not count toward it. Last evaluated 2023-09-18.

Conditions:
Familial focal epilepsy with variable foci (FPEVF). Identifiers: Orphanet 98820, MedGen C1858477, MONDO:0020310.

Submissions (2):

Labcorp Genetics (formerly Invitae), Labcorp
Classification: Likely pathogenic for Familial focal epilepsy with variable foci. Last evaluated: 2023-09-18. Review status: criteria provided, single submitter. Criteria: Invitae Variant Classification Sherloc (09022015). Collection method: clinical testing. Allele origin: germline.
Comment: In summary, the currently available evidence indicates that the variant is pathogenic, but additional data are needed to prove that conclusively. Therefore, this variant has been classified as Likely Pathogenic. Experimental studies and prediction algorithms are not available or were not evaluated, and the functional significance of this variant is currently unknown. ClinVar contains an entry for this variant (Variation ID: 934987). This missense change has been observed in individual(s) with clinical features of nocturnal frontal lobe epilepsy (Invitae). In at least one individual the variant was observed to be de novo. This variant is not present in population databases (gnomAD no frequency). This sequence change replaces leucine, which is neutral and non-polar, with proline, which is neutral and non-polar, at codon 558 of the DEPDC5 protein (p.Leu558Pro).

GeneDx
Classification: Uncertain significance. Last evaluated: 2024-04-16. Review status: flagged submission. Criteria: GeneDx Variant Classification Process June 2021. Collection method: clinical testing. Allele origin: germline. Affected: yes. Not counted in ClinVar's aggregate classification.
Comment: Not observed at significant frequency in large population cohorts (gnomAD); In silico analysis indicates that this missense variant does not alter protein structure/function; Has not been previously published as pathogenic or benign to our knowledge
ClinVar note: Reason: Claim with insufficient supporting evidence

NM_001242896.3(DEPDC5):c.1673T>C (p.Leu558Pro)

Gene: DEPDC5 (DEP domain containing 5, GATOR1 subcomplex subunit; plus strand). Cytogenetic location: 22q12.3.
Variant type: single nucleotide variant.
Coding change: c.1673T>C on transcript NM_001242896.3 (MANE Select); coding-DNA position 1673, T replaced by C.
Protein change: p.Leu558Pro; replaces leucine 558 with proline.
Molecular consequence: missense variant. On other transcripts: non-coding transcript variant (5).
Genome position (GRCh38, 1-based): chr22:31,819,028, T>C. VCF-style: chr22-31819028-T-C. GRCh37 (hg19) VCF-style: chr22-32215014-T-C.
Other names: c.1673T>C, p.Leu558Pro (NM_001136029.4, NM_001242897.2, NM_001363852.2 and 6 more transcripts); c.1589T>C, p.Leu530Pro (NM_001369901.1, NM_001369902.1); short protein forms L530P, L558P.
Identifiers: ClinVar variation 934987 (VCV000934987.10), dbSNP rs2089433234, ClinGen allele CA411280203.